The following is an entry in ClinVar:

ClinVar aggregate classification (germline): Uncertain significance. Review status: criteria provided, multiple submitters, no conflicts (2 of 4 stars). 2 submissions from 2 submitters: Uncertain significance (2). Last evaluated 2022-06-20.

Conditions:
Autosomal recessive limb-girdle muscular dystrophy type 2D (LGMDR3). Also called: MUSCULAR DYSTROPHY, LIMB-GIRDLE, AUTOSOMAL RECESSIVE 3; ADHALINOPATHY, PRIMARY; DUCHENNE-LIKE AUTOSOMAL RECESSIVE MUSCULAR DYSTROPHY, TYPE 2. Identifiers: Orphanet 62, MedGen C2936332, MONDO:0011968, OMIM 608099. Disease mechanism: Affects gamma-sarcoglycan and also disrupts the integrity of the entire sarcoglycan complex..

Allele frequency attached by ClinVar (database versions not stated): gnomAD 0.00001; TOPMed 0.00005.
gnomAD v4.1: 29 of 1,575,978 alleles (0.0018%); highest among the groups gnomAD compares: African/African-American, 0.0027%; no homozygotes.

Submissions (2):

Labcorp Genetics (formerly Invitae), Labcorp
Classification: Uncertain significance for Autosomal recessive limb-girdle muscular dystrophy type 2D. Last evaluated: 2022-06-20. Review status: criteria provided, single submitter. Criteria: Invitae Variant Classification Sherloc (09022015). Collection method: clinical testing. Allele origin: germline.
Comment: This sequence change replaces arginine, which is basic and polar, with histidine, which is basic and polar, at codon 181 of the SGCA protein (p.Arg181His). The frequency data for this variant in the population databases is considered unreliable, as metrics indicate poor data quality at this position in the gnomAD database. This variant has not been reported in the literature in individuals affected with SGCA-related conditions. Advanced modeling of protein sequence and biophysical properties (such as structural, functional, and spatial information, amino acid conservation, physicochemical variation, residue mobility, and thermodynamic stability) performed at Invitae indicates that this missense variant is expected to disrupt SGCA protein function. In summary, the available evidence is currently insufficient to determine the role of this variant in disease. Therefore, it has been classified as a Variant of Uncertain Significance.

Revvity Omics, Revvity
Classification: Uncertain significance for Autosomal recessive limb-girdle muscular dystrophy type 2D. Last evaluated: 2021-04-29. Review status: criteria provided, single submitter. Criteria: ACMG Guidelines, 2015. Collection method: clinical testing. Allele origin: germline.

NM_000023.4(SGCA):c.542G>A (p.Arg181His)

Gene: SGCA (sarcoglycan alpha; plus strand). Cytogenetic location: 17q21.33.
Variant type: single nucleotide variant.
Coding change: c.542G>A on transcript NM_000023.4 (MANE Select); coding-DNA position 542, G replaced by A.
Protein change: p.Arg181His; replaces arginine 181 with histidine.
Molecular consequence: missense variant. On other transcripts: non-coding transcript variant (1).
Genome position (GRCh38, 1-based): chr17:50,168,530, G>A. VCF-style: chr17-50168530-G-A. GRCh37 (hg19) VCF-style: chr17-48245891-G-A.
Other names: c.542G>A, p.Arg181His (NM_001135697.3); short protein forms R181H.
Identifiers: ClinVar variation 2420115 (VCV002420115.8), dbSNP rs746412103, ClinGen allele CA8643821.